The following is an entry in ClinVar:

NM_001267550.2(TTN):c.85315C>T (p.Arg28439Trp)

Genes: TTN (titin; minus strand), TTN-AS1 (TTN antisense RNA 1; plus strand). Cytogenetic location: 2q31.2.
Variant type: single nucleotide variant.
Coding change: c.85315C>T on transcript NM_001267550.2 (MANE Select); coding-DNA position 85315, C replaced by T.
Protein change: p.Arg28439Trp; replaces arginine 28439 with tryptophan.
Molecular consequence: missense variant.
Genome position (GRCh38, 1-based): chr2:178,560,817, G>A on the plus strand (C>T on the coding strand, the complement: TTN is on the minus strand). VCF-style: chr2-178560817-G-A. GRCh37 (hg19) VCF-style: chr2-179425544-G-A.
Other names: c.80392C>T, p.Arg26798Trp (NM_001256850.1); c.58120C>T, p.Arg19374Trp (NM_003319.4); c.77611C>T, p.Arg25871Trp (NM_133378.4); c.58495C>T, p.Arg19499Trp (NM_133432.3); c.58696C>T, p.Arg19566Trp (NM_133437.4); short protein forms R19374W, R28439W, R19499W, R19566W, R25871W, R26798W.
Identifiers: ClinVar variation 519091 (VCV000519091.11), dbSNP rs757653038, ClinGen allele CA1988664.

ClinVar aggregate classification (germline): Uncertain significance. Review status: criteria provided, multiple submitters, no conflicts (2 of 4 stars). 5 submissions from 5 submitters: Uncertain significance (5). Last evaluated 2025-12-16.

Conditions:
Autosomal recessive limb-girdle muscular dystrophy type 2J (LGMDR10). Also called: Limb-girdle muscular dystrophy, type 2J; MUSCULAR DYSTROPHY, LIMB-GIRDLE, AUTOSOMAL RECESSIVE 10. Identifiers: Orphanet 140922, MedGen C1837342, MONDO:0012127, OMIM 608807.
Dilated cardiomyopathy 1G (CMD1G). Identifiers: Orphanet 154, MedGen C1858763, MONDO:0011400, OMIM 604145.
TTN-related disorder. Also called: TTN-related condition; TTN-related disease; TTN-related disorders.
Cardiovascular phenotype. Identifiers: MedGen CN230736.
Myopathy, myofibrillar, 9, with early respiratory failure (MFM9). Also called: Hereditary myopathy with early respiratory failure; EDSTROM MYOPATHY; MYOPATHY, PROXIMAL, WITH EARLY RESPIRATORY MUSCLE INVOLVEMENT; Myopathy, distal, with early respiratory failure, autosomal dominant. Identifiers: Orphanet 178464, Orphanet 34521, MedGen C1863599, MONDO:0011362, OMIM 603689.
Early-onset myopathy with fatal cardiomyopathy (CMYO5). Also called: Salih Myopathy; CONGENITAL MYOPATHY 5 WITH CARDIOMYOPATHY. Identifiers: Orphanet 289377, MedGen C2673677, MONDO:0012714, OMIM 611705. Disease mechanism: loss of function.
Tibial muscular dystrophy (TMD). Also called: Udd Distal Myopathy – Tibial Muscular Dystrophy; UDD MYOPATHY; Tibial muscular dystrophy, tardive. Identifiers: Orphanet 609, MedGen C1838244, MONDO:0010870, OMIM 600334.
Hypertrophic cardiomyopathy 9. Also called: Familial hypertrophic cardiomyopathy 9. Identifiers: MedGen C1861065, MONDO:0013412, OMIM 613765.

Allele frequency attached by ClinVar (database versions not stated): ExAC 0.00002; gnomAD 0.00002; gnomAD exomes 0.00002 and 0.00003; TOPMed 0.00002.
gnomAD v4.1: 28 of 1,613,518 alleles (0.0017%); highest among the groups gnomAD compares: Admixed American, 0.015%; no homozygotes.

Submissions (5):

PreventionGenetics, part of Exact Sciences
Classification: Uncertain significance for TTN-related condition. Last evaluated: 2025-12-16. Review status: criteria provided, single submitter. Criteria: ACMG Guidelines, 2015. Collection method: clinical testing. Allele origin: germline.
Comment: The TTN c.85315C>T variant is predicted to result in the amino acid substitution p.Arg28439Trp. To our knowledge, this variant has not been reported in the literature. This variant is reported in 0.020% of alleles in individuals of Latino descent in gnomAD. At this time, the clinical significance of this variant is uncertain due to the absence of conclusive functional and genetic evidence.

Revvity Omics, Revvity
Classification: Uncertain significance. Last evaluated: 2024-06-18. Review status: criteria provided, single submitter. Criteria: ACMG Guidelines, 2015. Collection method: clinical testing. Allele origin: germline.

Fulgent Genetics
Classification: Uncertain significance for Tibial muscular dystrophy; Myopathy, myofibrillar, 9, with early respiratory failure; Dilated cardiomyopathy 1G; Autosomal recessive limb-girdle muscular dystrophy type 2J; Early-onset myopathy with fatal cardiomyopathy; Hypertrophic cardiomyopathy 9. Last evaluated: 2021-07-01. Review status: criteria provided, single submitter. Criteria: ACMG Guidelines, 2015. Collection method: clinical testing. Allele origin: unknown.

Labcorp Genetics (formerly Invitae), Labcorp
Classification: Uncertain significance for Dilated cardiomyopathy 1G; Autosomal recessive limb-girdle muscular dystrophy type 2J. Last evaluated: 2017-10-30. Review status: criteria provided, single submitter. Criteria: Invitae Variant Classification Sherloc (09022015). Collection method: clinical testing. Allele origin: germline.

Ambry Genetics
Classification: Uncertain significance for Cardiovascular phenotype. Last evaluated: 2016-03-26. Review status: criteria provided, single submitter. Criteria: Ambry Variant Classification Scheme 2023. Collection method: clinical testing. Allele origin: germline.
Comment: The p.R19374W variant (also known as c.58120C>T), located in coding exon 153 of the TTN gene, results from a C to T substitution at nucleotide position 58120, and is located in the A-band region of the titin protein. The arginine at codon 19374 is replaced by tryptophan, an amino acid with dissimilar properties. Based on data from ExAC, the T allele was reported in 2 of 120170 (0.002%) total alleles (Exome Aggregation Consortium (ExAC), Cambridge, MA (URL) [Accessed March 24, 2016]). This variant was not reported in population based cohorts in the following databases: Database of Single Nucleotide Polymorphisms (dbSNP), NHLBI Exome Sequencing Project (ESP), and 1000 Genomes Project. In the ESP, this variant was not observed in 6097 samples (12194 alleles) with coverage at this position. This amino acid position is well conserved in available vertebrate species. In addition, the in silico prediction for this alteration is inconclusive. Since supporting evidence is limited at this time, the clinical significance of this alteration remains unclear.